The following is an entry in ClinVar:

ClinVar aggregate classification (germline): Uncertain significance (1 of 4 stars; one submission).

Conditions:
RYR1-related disorder. Also called: RYR1-related condition; RYR1-related disorders. Identifiers: MedGen CN239331.

gnomAD v4.1: 2 of 1,614,096 alleles (0.00012%); highest among the groups gnomAD compares: Admixed American, 0.0017%; no homozygotes.

Submission:

Labcorp Genetics (formerly Invitae), Labcorp
Classification: Uncertain significance for RYR1-related disorder. Last evaluated: 2024-12-23. Review status: criteria provided, single submitter. Criteria: Invitae Variant Classification Sherloc (09022015). Collection method: clinical testing. Allele origin: germline.
Comment: This sequence change replaces phenylalanine, which is neutral and non-polar, with leucine, which is neutral and non-polar, at codon 1089 of the RYR1 protein (p.Phe1089Leu). This variant is not present in population databases (gnomAD no frequency). This variant has not been reported in the literature in individuals affected with RYR1-related conditions. ClinVar contains an entry for this variant (Variation ID: 1363392). Invitae Evidence Modeling of protein sequence and biophysical properties (such as structural, functional, and spatial information, amino acid conservation, physicochemical variation, residue mobility, and thermodynamic stability) has been performed for this missense variant. However, the output from this modeling did not meet the statistical confidence thresholds required to predict the impact of this variant on RYR1 protein function. In summary, the available evidence is currently insufficient to determine the role of this variant in disease. Therefore, it has been classified as a Variant of Uncertain Significance.

NM_000540.3(RYR1):c.3267C>A (p.Phe1089Leu)

Gene: RYR1 (ryanodine receptor 1; plus strand). Cytogenetic location: 19q13.2.
Variant type: single nucleotide variant.
Coding change: c.3267C>A on transcript NM_000540.3 (MANE Select); coding-DNA position 3267, C replaced by A.
Protein change: p.Phe1089Leu; replaces phenylalanine 1089 with leucine.
Molecular consequence: missense variant.
Genome position (GRCh38, 1-based): chr19:38,467,698, C>A. VCF-style: chr19-38467698-C-A. GRCh37 (hg19) VCF-style: chr19-38958338-C-A.
Other names: c.3267C>A, p.Phe1089Leu (NM_001042723.2); short protein forms F1089L.
Identifiers: ClinVar variation 1363392 (VCV001363392.8), dbSNP rs1302567016, ClinGen allele CA405637155.
Genomic context (GRCh38, chr19:38,467,698, plus strand): 5'-CCGGGTGCGCATCTTCCGGGCAGAGAAATCCTATACAGTGCAGAGCGGCCGCTGGTACTT[C>A]GAGTTTGAAGCAGTCACCACAGGCGAGATGCGCGTGGGCTGGGCGAGGCCCGAGCTGAGG-3'
Protein context (NP_000531.2, residues 1079-1099): SYTVQSGRWY[Phe1089Leu]EFEAVTTGEM